The following is an entry in ClinVar:

ClinVar aggregate classification (germline): Uncertain significance. Review status: criteria provided, multiple submitters, no conflicts (2 of 4 stars). 2 submissions from 2 submitters: Uncertain significance (2). Last evaluated 2025-01-19.

Conditions:
Hereditary cancer-predisposing syndrome. Also called: Tumor predisposition; Neoplastic Syndromes, Hereditary; Hereditary neoplastic syndrome; Hereditary Cancer Syndrome. Identifiers: Orphanet 140162, MedGen C0027672, MeSH D009386, MONDO:0015356.

Submissions (2):

Ambry Genetics
Classification: Uncertain significance for Hereditary cancer-predisposing syndrome. Last evaluated: 2025-01-19. Review status: criteria provided, single submitter. Criteria: Ambry Variant Classification Scheme 2023. Collection method: clinical testing. Allele origin: germline.
Comment: The p.E58K variant (also known as c.172G>A), located in coding exon 1 of the PRKAR1A gene, results from a G to A substitution at nucleotide position 172. The glutamic acid at codon 58 is replaced by lysine, an amino acid with similar properties. This amino acid position is conserved. In addition, the in silico prediction for this alteration is inconclusive. Based on the available evidence, the clinical significance of this variant remains unclear.

GeneDx
Classification: Uncertain significance. Last evaluated: 2023-12-01. Review status: criteria provided, single submitter. Criteria: GeneDx Variant Classification Process June 2021. Collection method: clinical testing. Allele origin: germline. Affected: yes.
Comment: Not observed at significant frequency in large population cohorts (gnomAD); In silico analysis supports that this missense variant does not alter protein structure/function; Has not been previously published as pathogenic or benign to our knowledge; This variant is associated with the following publications: (PMID: 24363928)

NM_002734.5(PRKAR1A):c.172G>A (p.Glu58Lys)

Gene: PRKAR1A (protein kinase cAMP-dependent type I regulatory subunit alpha; plus strand). Cytogenetic location: 17q24.2.
Variant type: single nucleotide variant.
Coding change: c.172G>A on transcript NM_002734.5 (MANE Select); coding-DNA position 172, G replaced by A.
Protein change: p.Glu58Lys; replaces glutamic acid 58 with lysine.
Molecular consequence: missense variant.
Genome position (GRCh38, 1-based): chr17:68,515,571, G>A. VCF-style: chr17-68515571-G-A. GRCh37 (hg19) VCF-style: chr17-66511712-G-A.
Other names: c.172G>A, p.Glu58Lys (NM_001276289.2, NM_001276290.1, NM_001278433.2 and 4 more transcripts); short protein forms E58K.
Identifiers: ClinVar variation 3365041 (VCV003365041.2).